The following is an entry in ClinVar:

NM_015021.3(ZNF292):c.1672C>T (p.Arg558Ter)

Gene: ZNF292 (zinc finger protein 292; plus strand). Cytogenetic location: 6q14.3.
Variant type: single nucleotide variant.
Coding change: c.1672C>T on transcript NM_015021.3 (MANE Select); coding-DNA position 1672, C replaced by T.
Protein change: p.Arg558Ter; replaces arginine 558 with a stop codon.
Molecular consequence: nonsense.
Genome position (GRCh38, 1-based): chr6:87,255,301, C>T. VCF-style: chr6-87255301-C-T. GRCh37 (hg19) VCF-style: chr6-87965019-C-T.
Other names: c.1252C>T, p.Arg418Ter (NM_001351444.2); c.1672C>T (NM_015021.1); short protein forms R418*, R558*.
Identifiers: ClinVar variation 2020058 (VCV002020058.5), dbSNP rs373131243, ClinGen allele CA364909963.

ClinVar aggregate classification (germline): Likely pathogenic. Review status: criteria provided, multiple submitters, no conflicts (2 of 4 stars). 2 submissions from 2 submitters: Likely pathogenic (2). Last evaluated 2024-05-02.

Submissions (2):

GeneDx
Classification: Likely pathogenic. Last evaluated: 2024-05-02. Review status: criteria provided, single submitter. Criteria: GeneDx Variant Classification Process June 2021. Collection method: clinical testing. Allele origin: germline. Affected: yes.
Comment: Nonsense variant predicted to result in protein truncation, as the last 2166 amino acids are lost, and other loss-of-function variants have been reported downstream in HGMD; Not observed at significant frequency in large population cohorts (gnomAD); Has not been previously published as pathogenic or benign to our knowledge

Labcorp Genetics (formerly Invitae), Labcorp
Classification: Likely pathogenic. Last evaluated: 2022-03-23. Review status: criteria provided, single submitter. Criteria: Invitae Variant Classification Sherloc (09022015). Collection method: clinical testing. Allele origin: germline.
Comment: This sequence change creates a premature translational stop signal (p.Arg558*) in the ZNF292 gene. While this is not anticipated to result in nonsense mediated decay, it is expected to disrupt the last 2166 amino acid(s) of the ZNF292 protein. This variant is not present in population databases (gnomAD no frequency). This premature translational stop signal has been observed in individual(s) with clinical features of ZNF292-related conditions (Invitae). In at least one individual the variant was observed to be de novo. Experimental studies and prediction algorithms are not available or were not evaluated, and the functional significance of this variant is currently unknown. In summary, the currently available evidence indicates that the variant is pathogenic, but additional data are needed to prove that conclusively. Therefore, this variant has been classified as Likely Pathogenic.